The following is an entry in ClinVar:

NM_005765.3(ATP6AP2):c.534+230G>A

Gene: ATP6AP2 (ATPase H+ transporting accessory protein 2; plus strand). Cytogenetic location: Xp11.4.
Variant type: single nucleotide variant.
Coding change: c.534+230G>A on transcript NM_005765.3 (MANE Select); 230 bases into the intron after coding-DNA position 534, G replaced by A.
Molecular consequence: intron variant.
Genome position (GRCh38, 1-based): chrX:40,597,894, G>A. VCF-style: chrX-40597894-G-A. GRCh37 (hg19) VCF-style: chrX-40457146-G-A.
Identifiers: ClinVar variation 677656 (VCV000677656.1), dbSNP rs116151990, ClinGen allele CA328988735.
Genomic context (GRCh38, chrX:40,597,894, plus strand): 5'-GGCCTCCCATTCCTTATACTACTTGAAATTTTGGAAATTTTGCTATTTTAGAAAATGAAA[G>A]ATTGTGCACATTTACTGCTGGGGTAGATTCTTCTTTAGTGTAATTTTCTTATGACTCTCA-3'

ClinVar aggregate classification (germline): Benign (1 of 4 stars; one submission).

Allele frequency attached by ClinVar (database versions not stated): gnomAD exomes 0.00419; 1000 Genomes Project 0.02781; gnomAD 0.02829 and 0.03021; 1000 Genomes Project 30x 0.03122; TOPMed 0.03338.

Submission:

GeneDx
Classification: Benign. Last evaluated: 2018-06-19. Review status: criteria provided, single submitter. Criteria: GeneDx Variant Classification (06012015). Collection method: clinical testing. Allele origin: germline. Affected: yes.
Comment: This variant is considered likely benign or benign based on one or more of the following criteria: it is a conservative change, it occurs at a poorly conserved position in the protein, it is predicted to be benign by multiple in silico algorithms, and/or has population frequency not consistent with disease.